The following is an entry in ClinVar:

NM_005431.2(XRCC2):c.804T>A (p.His268Gln)

Gene: XRCC2 (X-ray repair cross complementing 2; minus strand). Cytogenetic location: 7q36.1.
Variant type: single nucleotide variant.
Coding change: c.804T>A on transcript NM_005431.2 (MANE Select); coding-DNA position 804, T replaced by A.
Protein change: p.His268Gln; replaces histidine 268 with glutamine.
Molecular consequence: missense variant.
Genome position (GRCh38, 1-based): chr7:152,648,681, A>T on the plus strand (T>A on the coding strand, the complement: XRCC2 is on the minus strand). VCF-style: chr7-152648681-A-T. GRCh37 (hg19) VCF-style: chr7-152345766-A-T.
Other names: short protein forms H268Q.
Identifiers: ClinVar variation 1761806 (VCV001761806.5), dbSNP rs2485880203, ClinGen allele CA370197900.

ClinVar aggregate classification (germline): Uncertain significance. Review status: criteria provided, multiple submitters, no conflicts (2 of 4 stars). 2 submissions from 2 submitters: Uncertain significance (2). Last evaluated 2024-01-17.

Conditions:
Hereditary cancer-predisposing syndrome. Also called: Neoplastic Syndromes, Hereditary; Tumor predisposition; Hereditary Cancer Syndrome; Hereditary neoplastic syndrome. Identifiers: Orphanet 140162, MedGen C0027672, MeSH D009386, MONDO:0015356.

Submissions (2):

Ambry Genetics
Classification: Uncertain significance for Hereditary cancer-predisposing syndrome. Last evaluated: 2024-01-17. Review status: criteria provided, single submitter. Criteria: Ambry Variant Classification Scheme 2023. Collection method: clinical testing. Allele origin: germline.
Comment: The p.H268Q variant (also known as c.804T>A), located in coding exon 3 of the XRCC2 gene, results from a T to A substitution at nucleotide position 804. The histidine at codon 268 is replaced by glutamine, an amino acid with highly similar properties. This amino acid position is not well conserved in available vertebrate species. In addition, this alteration is predicted to be tolerated by in silico analysis. Since supporting evidence is limited at this time, the clinical significance of this alteration remains unclear.

Labcorp Genetics (formerly Invitae), Labcorp
Classification: Uncertain significance. Last evaluated: 2024-01-04. Review status: criteria provided, single submitter. Criteria: Invitae Variant Classification Sherloc (09022015). Collection method: clinical testing. Allele origin: germline.
Comment: This sequence change replaces histidine, which is basic and polar, with glutamine, which is neutral and polar, at codon 268 of the XRCC2 protein (p.His268Gln). This variant is not present in population databases (gnomAD no frequency). This variant has not been reported in the literature in individuals affected with XRCC2-related conditions. ClinVar contains an entry for this variant (Variation ID: 1761806). Advanced modeling of protein sequence and biophysical properties (such as structural, functional, and spatial information, amino acid conservation, physicochemical variation, residue mobility, and thermodynamic stability) performed at Invitae indicates that this missense variant is not expected to disrupt XRCC2 protein function with a negative predictive value of 80%. In summary, the available evidence is currently insufficient to determine the role of this variant in disease. Therefore, it has been classified as a Variant of Uncertain Significance.